The following is an entry in ClinVar:

NM_000282.4(PCCA):c.1271T>C (p.Leu424Ser)

Gene: PCCA (propionyl-CoA carboxylase subunit alpha; plus strand). Cytogenetic location: 13q32.3.
Variant type: single nucleotide variant.
Coding change: c.1271T>C on transcript NM_000282.4 (MANE Select); coding-DNA position 1271, T replaced by C.
Protein change: p.Leu424Ser; replaces leucine 424 with serine.
Molecular consequence: missense variant. On other transcripts: non-coding transcript variant (5).
Genome position (GRCh38, 1-based): chr13:100,302,985, T>C. VCF-style: chr13-100302985-T-C. GRCh37 (hg19) VCF-style: chr13-100955239-T-C.
Other names: c.1193T>C, p.Leu398Ser (NM_001352607.2, NM_001127692.3); c.1049T>C, p.Leu350Ser (NM_001352608.2); c.1271T>C, p.Leu424Ser (NM_001352609.2, NM_001178004.2, NM_001352605.2); c.326T>C, p.Leu109Ser (NM_001352610.2, NM_001352611.2); c.182T>C, p.Leu61Ser (NM_001352612.2); c.1127T>C, p.Leu376Ser (NM_001352606.2); short protein forms L350S, L376S, L398S, L109S, L424S, L61S.
Identifiers: ClinVar variation 1959077 (VCV001959077.5), dbSNP rs2548123235, ClinGen allele CA388695542.

ClinVar aggregate classification (germline): Uncertain significance (1 of 4 stars; one submission).

Conditions:
Propionic acidemia (PROP). Also called: GLYCINEMIA, KETOTIC; HYPERGLYCINEMIA WITH KETOACIDOSIS AND LEUKOPENIA; KETOTIC HYPERGLYCINEMIA. Identifiers: Orphanet 35, MedGen C0268579, MONDO:0011628, OMIM 606054, HP:0003571.

Submission:

Labcorp Genetics (formerly Invitae), Labcorp
Classification: Uncertain significance for Propionic acidemia. Last evaluated: 2023-10-13. Review status: criteria provided, single submitter. Criteria: Invitae Variant Classification Sherloc (09022015). Collection method: clinical testing. Allele origin: germline.
Comment: This sequence change replaces leucine, which is neutral and non-polar, with serine, which is neutral and polar, at codon 424 of the PCCA protein (p.Leu424Ser). This variant is not present in population databases (gnomAD no frequency). This variant has not been reported in the literature in individuals affected with PCCA-related conditions. ClinVar contains an entry for this variant (Variation ID: 1959077). Algorithms developed to predict the effect of missense changes on protein structure and function output the following: SIFT: "Not Available"; PolyPhen-2: "Benign"; Align-GVGD: "Not Available". The serine amino acid residue is found in multiple mammalian species, which suggests that this missense change does not adversely affect protein function. In summary, the available evidence is currently insufficient to determine the role of this variant in disease. Therefore, it has been classified as a Variant of Uncertain Significance.